The following is an entry in ClinVar:

NM_005876.5(SPEG):c.1490A>T (p.Glu497Val)

Gene: SPEG (striated muscle enriched protein kinase; plus strand). Cytogenetic location: 2q35.
Variant type: single nucleotide variant.
Coding change: c.1490A>T on transcript NM_005876.5 (MANE Select); coding-DNA position 1490, A replaced by T.
Protein change: p.Glu497Val; replaces glutamic acid 497 with valine.
Molecular consequence: missense variant.
Genome position (GRCh38, 1-based): chr2:219,448,648, A>T. VCF-style: chr2-219448648-A-T. GRCh37 (hg19) VCF-style: chr2-220313370-A-T.
Other names: p.Glu497Val; short protein forms E497V.
Identifiers: ClinVar variation 767858 (VCV000767858.18), dbSNP rs146216760, ClinGen allele CA2125695.

ClinVar aggregate classification (germline): Benign. Review status: criteria provided, multiple submitters, no conflicts (2 of 4 stars). 5 submissions from 5 submitters: Benign (4). 1 of the submissions does not count toward it. Last evaluated 2026-02-02.

Conditions:
SPEG-related disorder. Also called: SPEG-related condition.

Allele frequency attached by ClinVar (database versions not stated): ExAC 0.00635; gnomAD 0.03670 and 0.03410; 1000 Genomes Project 0.03854; gnomAD exomes 0.00331 and 0.00471; ESP Exome Variant Server 0.02077; TOPMed 0.03762; 1000 Genomes Project 30x 0.03998.

Submissions (6):

Labcorp Genetics (formerly Invitae), Labcorp
Classification: Benign. Last evaluated: 2026-02-02. Review status: criteria provided, single submitter. Criteria: Invitae Variant Classification Sherloc (09022015). Collection method: clinical testing. Allele origin: germline.

Mayo Clinic Laboratories, Mayo Clinic
Classification: Benign. Last evaluated: 2019-04-25. Review status: criteria provided, single submitter. Criteria: ACMG Guidelines, 2015. Collection method: clinical testing. Allele origin: germline. Observed: 16 variant alleles.

GeneDx
Classification: Benign. Last evaluated: 2019-04-10. Review status: criteria provided, single submitter. Criteria: GeneDx Variant Classification Process June 2021. Collection method: clinical testing. Allele origin: germline. Affected: yes.

Breakthrough Genomics
Classification: Benign. Review status: criteria provided, single submitter. Criteria: ACMG Guidelines, 2015. Collection method: not provided. Allele origin: germline. Inheritance: Autosomal recessive inheritance. Affected: yes.

PreventionGenetics, part of Exact Sciences
Classification: Benign for SPEG-related condition. Last evaluated: 2019-06-14. Review status: no assertion criteria provided. Collection method: clinical testing. Allele origin: germline. Not counted in ClinVar's aggregate classification.
Comment: This variant is classified as benign based on ACMG/AMP sequence variant interpretation guidelines (Richards et al. 2015 PMID: 25741868, with internal and published modifications).

Dr. Peter K. Rogan Lab, Western University
No classification provided (evidence only). Condition: Sarcoma. Review status: no classification provided. Collection method: in vitro. Allele origin: not applicable. Functional consequence: retained intron. Not counted in ClinVar's aggregate classification.